The following is an entry in ClinVar:

ClinVar aggregate classification (germline): Uncertain significance. Review status: criteria provided, multiple submitters, no conflicts (2 of 4 stars). 3 submissions from 3 submitters: Uncertain significance (2). 1 of the submissions does not count toward it. Last evaluated 2025-01-05.

Conditions:
CTNNA3-related disorder. Also called: CTNNA3-related condition.
Arrhythmogenic right ventricular dysplasia 13. Also called: ARRHYTHMOGENIC RIGHT VENTRICULAR CARDIOMYOPATHY 13; Arrhythmogenic right ventricular dysplasia, familial, 13. Identifiers: MedGen C3810138, MONDO:0000908, OMIM 615616.

Allele frequency attached by ClinVar (database versions not stated): gnomAD 0.00002; TOPMed 0.00002; ExAC 0.00003; gnomAD exomes 0.00003 and 0.00005.
gnomAD v4.1: 48 of 1,612,012 alleles (0.003%); highest among the groups gnomAD compares: Admixed American, 0.0067%; no homozygotes.

Submissions (3):

Labcorp Genetics (formerly Invitae), Labcorp
Classification: Uncertain significance for Arrhythmogenic right ventricular dysplasia 13. Last evaluated: 2025-01-05. Review status: criteria provided, single submitter. Criteria: Invitae Variant Classification Sherloc (09022015). Collection method: clinical testing. Allele origin: germline.
Comment: This sequence change replaces arginine, which is basic and polar, with histidine, which is basic and polar, at codon 484 of the CTNNA3 protein (p.Arg484His). This variant is present in population databases (rs748621335, gnomAD 0.009%). This variant has not been reported in the literature in individuals affected with CTNNA3-related conditions. ClinVar contains an entry for this variant (Variation ID: 648090). Invitae Evidence Modeling of protein sequence and biophysical properties (such as structural, functional, and spatial information, amino acid conservation, physicochemical variation, residue mobility, and thermodynamic stability) indicates that this missense variant is not expected to disrupt CTNNA3 protein function with a negative predictive value of 80%. In summary, the available evidence is currently insufficient to determine the role of this variant in disease. Therefore, it has been classified as a Variant of Uncertain Significance.

Fulgent Genetics
Classification: Uncertain significance for Arrhythmogenic right ventricular dysplasia 13. Last evaluated: 2021-07-12. Review status: criteria provided, single submitter. Criteria: ACMG Guidelines, 2015. Collection method: clinical testing. Allele origin: unknown.

PreventionGenetics, part of Exact Sciences
Classification: Uncertain significance for CTNNA3-related condition. Last evaluated: 2024-04-10. Review status: no assertion criteria provided. Collection method: clinical testing. Allele origin: germline. Not counted in ClinVar's aggregate classification.
Comment: The CTNNA3 c.1451G>A variant is predicted to result in the amino acid substitution p.Arg484His. To our knowledge, this variant has not been reported in the literature. This variant is reported in 0.0087% of alleles in individuals of Latino descent in gnomAD. At this time, the clinical significance of this variant is uncertain due to the absence of conclusive functional and genetic evidence.

NM_013266.4(CTNNA3):c.1451G>A (p.Arg484His)

Gene: CTNNA3 (catenin alpha 3; minus strand). Cytogenetic location: 10q21.3.
Variant type: single nucleotide variant.
Coding change: c.1451G>A on transcript NM_013266.4 (MANE Select); coding-DNA position 1451, G replaced by A.
Protein change: p.Arg484His; replaces arginine 484 with histidine.
Molecular consequence: missense variant.
Genome position (GRCh38, 1-based): chr10:66,520,697, C>T on the plus strand (G>A on the coding strand, the complement: CTNNA3 is on the minus strand). VCF-style: chr10-66520697-C-T. GRCh37 (hg19) VCF-style: chr10-68280455-C-T.
Other names: c.1451G>A, p.Arg484His (NM_001127384.3); short protein forms R484H.
Identifiers: ClinVar variation 648090 (VCV000648090.8), dbSNP rs748621335, ClinGen allele CA5519950.